The following is an entry in ClinVar:

ClinVar aggregate classification (germline): Uncertain significance (1 of 4 stars; one submission).

Conditions:
Inborn genetic diseases. Identifiers: MedGen C0950123, MeSH D030342.

Submission:

Ambry Genetics
Classification: Uncertain significance for Inborn genetic diseases. Last evaluated: 2026-08-23. Review status: criteria provided, single submitter. Criteria: Ambry Variant Classification Scheme 2023. Collection method: clinical testing. Allele origin: germline.
Comment: The p.E747K variant (also known as c.2239G>A), located in coding exon 21 of the ANKRD26 gene, results from a G to A substitution at nucleotide position 2239. The glutamic acid at codon 747 is replaced by lysine, an amino acid with similar properties. This amino acid position is conserved. In addition, this alteration is predicted to be tolerated by in silico analysis. Based on the available evidence, the clinical significance of this variant remains unclear.

NM_014915.3(ANKRD26):c.2239G>A (p.Glu747Lys)

Gene: ANKRD26 (ankyrin repeat domain 26; minus strand). Cytogenetic location: 10p12.1.
Variant type: single nucleotide variant.
Coding change: c.2239G>A on transcript NM_014915.3 (MANE Select); coding-DNA position 2239, G replaced by A.
Protein change: p.Glu747Lys; replaces glutamic acid 747 with lysine.
Molecular consequence: missense variant.
Genome position (GRCh38, 1-based): chr10:27,040,101, C>T on the plus strand (G>A on the coding strand, the complement: ANKRD26 is on the minus strand). VCF-style: chr10-27040101-C-T. GRCh37 (hg19) VCF-style: chr10-27329030-C-T.
Other names: c.2236G>A, p.Glu746Lys (NM_001256053.2); short protein forms E747K, E746K.
Identifiers: ClinVar variation 5023648 (VCV005023648.1).
Genomic context (GRCh38, chr10:27,040,101, plus strand): 5'-GCTCCCTTTGTAGTACATTAACCTTGTCTTCCATTTTTTTAATTTTTACTGTAAGTAGTT[C>T]ACAGTGATTTTTTTTAAGTTCTAATAATCTTTCACATGAAAGAGCTGCATCCTGGATTTT-3'
Protein context (NP_055730.2, residues 737-757): RLLELKKNHC[Glu747Lys]LLTVKIKKME